The following is an entry in ClinVar:

ClinVar aggregate classification (germline): Uncertain significance (1 of 4 stars; one submission).

Conditions:
Ullrich congenital muscular dystrophy 2 (UCMD2). Identifiers: Orphanet 75840, MedGen C4225314, MONDO:0014654, OMIM 616470.
Bethlem myopathy 2 (BTHLM2). Identifiers: Orphanet 536516, Orphanet 610, MedGen C4225313, MONDO:0034022, OMIM 616471.

Submission:

Labcorp Genetics (formerly Invitae), Labcorp
Classification: Uncertain significance for Bethlem myopathy 2; Ullrich congenital muscular dystrophy 2. Last evaluated: 2024-11-19. Review status: criteria provided, single submitter. Criteria: Invitae Variant Classification Sherloc (09022015). Collection method: clinical testing. Allele origin: germline.
Comment: This sequence change replaces proline, which is neutral and non-polar, with leucine, which is neutral and non-polar, at codon 2793 of the COL12A1 protein (p.Pro2793Leu). This variant is not present in population databases (gnomAD no frequency). This variant has not been reported in the literature in individuals affected with COL12A1-related conditions. Invitae Evidence Modeling of protein sequence and biophysical properties (such as structural, functional, and spatial information, amino acid conservation, physicochemical variation, residue mobility, and thermodynamic stability) indicates that this missense variant is not expected to disrupt COL12A1 protein function with a negative predictive value of 80%. In summary, the available evidence is currently insufficient to determine the role of this variant in disease. Therefore, it has been classified as a Variant of Uncertain Significance.

NM_004370.6(COL12A1):c.8378C>T (p.Pro2793Leu)

Gene: COL12A1 (collagen type XII alpha 1 chain; minus strand). Cytogenetic location: 6q13.
Variant type: single nucleotide variant.
Coding change: c.8378C>T on transcript NM_004370.6 (MANE Select); coding-DNA position 8378, C replaced by T.
Protein change: p.Pro2793Leu; replaces proline 2793 with leucine.
Molecular consequence: missense variant.
Genome position (GRCh38, 1-based): chr6:75,102,634, G>A on the plus strand (C>T on the coding strand, the complement: COL12A1 is on the minus strand). VCF-style: chr6-75102634-G-A. GRCh37 (hg19) VCF-style: chr6-75812350-G-A.
Other names: c.8378C>T, p.Pro2793Leu (NM_001424113.1); c.8357C>T, p.Pro2786Leu (NM_001424114.1); c.8105C>T, p.Pro2702Leu (NM_001424115.1); c.4886C>T, p.Pro1629Leu (NM_001424116.1, NM_080645.3); short protein forms P1629L, P2702L, P2786L, P2793L.
Identifiers: ClinVar variation 3758134 (VCV003758134.2).